The following is an entry in ClinVar:

NM_021048.5(MAGEA10):c.335A>G (p.Gln112Arg)

Genes: MAGEA10 (MAGE family member A10; minus strand), LOC100533997 (MAGEA10-MAGEA5 readthrough; minus strand). Cytogenetic location: Xq28.
Variant type: single nucleotide variant.
Coding change: c.335A>G on transcript NM_021048.5 (MANE Select); coding-DNA position 335, A replaced by G.
Protein change: p.Gln112Arg; replaces glutamine 112 with arginine.
Molecular consequence: missense variant. On other transcripts: intron variant (1).
Genome position (GRCh38, 1-based): chrX:152,135,286, T>C on the plus strand (A>G on the coding strand, the complement: MAGEA10 is on the minus strand). VCF-style: chrX-152135286-T-C. GRCh37 (hg19) VCF-style: chrX-151303758-T-C.
Other names: c.335A>G, p.Gln112Arg (NM_001011543.3, NM_001251828.2); c.-278+3189A>G (NM_001204811.3); short protein forms Q112R.
Identifiers: ClinVar variation 2536298 (VCV002536298.3), dbSNP rs764797687, ClinGen allele CA10542953.

ClinVar aggregate classification (germline): Uncertain significance (1 of 4 stars; one submission).

Allele frequency attached by ClinVar (database versions not stated): gnomAD exomes 0.00002; ExAC 0.00001.

Submission:

Ambry Genetics
Classification: Uncertain significance. Last evaluated: 2026-04-16. Review status: criteria provided, single submitter. Criteria: Ambry Variant Classification Scheme 2023. Collection method: clinical testing. Allele origin: germline.
Comment: The c.335A>G (p.Q112R) alteration is located in exon 5 (coding exon 1) of the MAGEA10 gene. This alteration results from a A to G substitution at nucleotide position 335, causing the glutamine (Q) at amino acid position 112 to be replaced by an arginine (R). Based on data from gnomAD, the G allele has an overall frequency of <0.001% (1/182934) total alleles studied. The highest observed frequency was 0.001% (1/81699) of European (non-Finnish) alleles. Based on insufficient or conflicting evidence, the clinical significance of this alteration remains unclear.